The following is an entry in ClinVar:

NM_001113378.2(FANCI):c.565G>C (p.Glu189Gln)

Gene: FANCI (FA complementation group I; plus strand). Cytogenetic location: 15q26.1.
Variant type: single nucleotide variant.
Coding change: c.565G>C on transcript NM_001113378.2 (MANE Select); coding-DNA position 565, G replaced by C.
Protein change: p.Glu189Gln; replaces glutamic acid 189 with glutamine.
Molecular consequence: missense variant.
Genome position (GRCh38, 1-based): chr15:89,263,922, G>C. VCF-style: chr15-89263922-G-C. GRCh37 (hg19) VCF-style: chr15-89807153-G-C.
Other names: c.286G>C, p.Glu96Gln (NM_001376910.1); c.565G>C, p.Glu189Gln (NM_001376911.1, NM_018193.3); short protein forms E96Q, E189Q.
Identifiers: ClinVar variation 2057877 (VCV002057877.4), dbSNP rs2052827867, ClinGen allele CA393738906.

ClinVar aggregate classification (germline): Uncertain significance (1 of 4 stars; one submission).

Conditions:
Fanconi anemia (FA). Also called: Fanconi's anemia. Identifiers: Orphanet 84, MedGen C0015625, MeSH D005199, MONDO:0019391.

Allele frequency attached by ClinVar (database versions not stated): gnomAD exomes below 0.00001.
gnomAD v4.1: 2 of 1,614,072 alleles (0.00012%); highest among the groups gnomAD compares: East Asian, 0.0045%; no homozygotes.

Submission:

Labcorp Genetics (formerly Invitae), Labcorp
Classification: Uncertain significance for Fanconi anemia. Last evaluated: 2021-12-24. Review status: criteria provided, single submitter. Criteria: Invitae Variant Classification Sherloc (09022015). Collection method: clinical testing. Allele origin: germline.
Comment: This sequence change replaces glutamic acid, which is acidic and polar, with glutamine, which is neutral and polar, at codon 189 of the FANCI protein (p.Glu189Gln). This variant is not present in population databases (gnomAD no frequency). This variant has not been reported in the literature in individuals affected with FANCI-related conditions. Algorithms developed to predict the effect of missense changes on protein structure and function are either unavailable or do not agree on the potential impact of this missense change (SIFT: "Tolerated"; PolyPhen-2: "Probably Damaging"; Align-GVGD: "Class C0"). In summary, the available evidence is currently insufficient to determine the role of this variant in disease. Therefore, it has been classified as a Variant of Uncertain Significance.